The following is an entry in ClinVar:

NM_000264.5(PTCH1):c.3743del (p.Gly1248fs)

Gene: PTCH1 (patched 1; minus strand). Cytogenetic location: 9q22.32.
Variant type: Deletion.
Coding change: c.3743del on transcript NM_000264.5 (MANE Select); coding-DNA position 3743, one base deleted (G; older notation c.3743delG).
Protein change: p.Gly1248fs; shifts the reading frame from glycine 1248.
Molecular consequence: frameshift variant. On other transcripts: non-coding transcript variant (1).
Genome position (GRCh38, 1-based): chr9:95,449,130, C deleted on the plus strand (G on the coding strand, the reverse complement: PTCH1 is on the minus strand); the first of 3 consecutive C bases (chr9:95,449,130-95,449,132); deleting any one gives the same sequence. VCF-style (leftmost placement, unchanged base first): chr9-95449129-TC-T. GRCh37 (hg19) VCF-style: chr9-98211411-TC-T.
Other names: c.3545del, p.Gly1182fs (NM_001083602.3); c.3740del, p.Gly1247fs (NM_001083603.3); c.3290del, p.Gly1097fs (NM_001083604.3, NM_001083605.3, NM_001083606.3 and 1 more transcripts); c.3587del, p.Gly1196fs (NM_001354918.2); short protein forms G1182fs, G1248fs, G1097fs, G1196fs, G1247fs.
Identifiers: ClinVar variation 2847605 (VCV002847605.3), dbSNP rs2538013219, ClinGen allele CA2739269378.

ClinVar aggregate classification (germline): Uncertain significance (1 of 4 stars; one submission).

Conditions:
Gorlin syndrome. Also called: Nevoid Basal Cell Carcinoma Syndrome; Basal cell nevus syndrome. Identifiers: Orphanet 377, MedGen C0004779, MONDO:0007187.

Submission:

Labcorp Genetics (formerly Invitae), Labcorp
Classification: Uncertain significance for Gorlin syndrome. Last evaluated: 2023-03-19. Review status: criteria provided, single submitter. Criteria: Invitae Variant Classification Sherloc (09022015). Collection method: clinical testing. Allele origin: germline.
Comment: This sequence change creates a premature translational stop signal (p.Gly1248Glufs*7) in the PTCH1 gene. While this is not anticipated to result in nonsense mediated decay, it is expected to disrupt the last 200 amino acid(s) of the PTCH1 protein. This variant is not present in population databases (gnomAD no frequency). This variant has not been reported in the literature in individuals affected with PTCH1-related conditions. In summary, the available evidence is currently insufficient to determine the role of this variant in disease. Therefore, it has been classified as a Variant of Uncertain Significance.